The following is an entry in ClinVar:

ClinVar aggregate classification (germline): Uncertain significance (1 of 4 stars; one submission).

Conditions:
Hereditary cancer-predisposing syndrome. Also called: Hereditary neoplastic syndrome; Neoplastic Syndromes, Hereditary; Tumor predisposition; Hereditary Cancer Syndrome. Identifiers: Orphanet 140162, MedGen C0027672, MeSH D009386, MONDO:0015356.

Submission:

Ambry Genetics
Classification: Uncertain significance for Hereditary cancer-predisposing syndrome. Last evaluated: 2025-06-25. Review status: criteria provided, single submitter. Criteria: Ambry Variant Classification Scheme 2023. Collection method: clinical testing. Allele origin: germline.
Comment: The p.T916K variant (also known as c.2747C>A), located in coding exon 15 of the APC gene, results from a C to A substitution at nucleotide position 2747. The threonine at codon 916 is replaced by lysine, an amino acid with similar properties. This amino acid position is conserved. In addition, in silico predictors for this gene do not accurately predict pathogenicity. Based on the available evidence, the clinical significance of this variant remains unclear.

NM_000038.6(APC):c.2747C>A (p.Thr916Lys)

Gene: APC (APC regulator of Wnt signaling pathway; plus strand). Cytogenetic location: 5q22.2.
Variant type: single nucleotide variant.
Coding change: c.2747C>A on transcript NM_000038.6 (MANE Select); coding-DNA position 2747, C replaced by A.
Protein change: p.Thr916Lys; replaces threonine 916 with lysine.
Molecular consequence: missense variant. On other transcripts: non-coding transcript variant (2).
Genome position (GRCh38, 1-based): chr5:112,838,341, C>A. VCF-style: chr5-112838341-C-A. GRCh37 (hg19) VCF-style: chr5-112174038-C-A.
Other names: c.2498C>A, p.Thr833Lys (NM_001407454.1, NM_001407455.1, NM_001407456.1 and 1 more transcripts); c.2726C>A, p.Thr909Lys (NM_001407451.1); c.2717C>A, p.Thr906Lys (NM_001407452.1); c.2570C>A, p.Thr857Lys (NM_001407453.1, NM_001354901.2); c.2444C>A, p.Thr815Lys (NM_001407458.1, NM_001407459.1, NM_001407460.1 and 1 more transcripts); c.2747C>A, p.Thr916Lys (NM_001127510.3, NM_001354895.2, NM_001407450.1); c.2693C>A, p.Thr898Lys (NM_001127511.3); c.2801C>A, p.Thr934Lys (NM_001354896.2, NM_001407447.1, NM_001407448.1 and 1 more transcripts); and 11 more; short protein forms T790K, T815K, T532K, T756K, T787K, T833K, T891K, T909K.
Identifiers: ClinVar variation 4120581 (VCV004120581.1).